The following is an entry in ClinVar:

NM_000553.6(WRN):c.1261T>C (p.Ser421Pro)

Gene: WRN (WRN RecQ like helicase; plus strand). Cytogenetic location: 8p12.
Variant type: single nucleotide variant.
Coding change: c.1261T>C on transcript NM_000553.6 (MANE Select); coding-DNA position 1261, T replaced by C.
Protein change: p.Ser421Pro; replaces serine 421 with proline.
Molecular consequence: missense variant.
Genome position (GRCh38, 1-based): chr8:31,081,288, T>C. VCF-style: chr8-31081288-T-C. GRCh37 (hg19) VCF-style: chr8-30938804-T-C.
Other names: short protein forms S421P.
Identifiers: ClinVar variation 1521984 (VCV001521984.4), dbSNP rs2130121699, ClinGen allele CA370921556.

ClinVar aggregate classification (germline): Uncertain significance (1 of 4 stars; one submission).

Conditions:
Werner syndrome (WRN). Identifiers: Orphanet 902, MedGen C0043119, MONDO:0010196, OMIM 277700.

Submission:

Labcorp Genetics (formerly Invitae), Labcorp
Classification: Uncertain significance for Werner syndrome. Last evaluated: 2025-11-24. Review status: criteria provided, single submitter. Criteria: Invitae Variant Classification Sherloc (09022015). Collection method: clinical testing. Allele origin: germline.
Comment: This sequence change replaces serine with proline at codon 421 of the WRN protein (p.Ser421Pro). The serine residue is weakly conserved and there is a moderate physicochemical difference between serine and proline. This variant is not present in population databases (gnomAD no frequency). This variant has not been reported in the literature in individuals affected with WRN-related conditions. ClinVar contains an entry for this variant (Variation ID: 1521984). An algorithm developed to predict the effect of missense changes on protein structure and function outputs the following: PolyPhen-2: "Benign". The proline amino acid residue is found in multiple mammalian species, which suggests that this missense change does not adversely affect protein function. In summary, the available evidence is currently insufficient to determine the role of this variant in disease. Therefore, it has been classified as a Variant of Uncertain Significance.